The following is an entry in ClinVar:

ClinVar aggregate classification (germline): Pathogenic (1 of 4 stars; one submission).

Submission:

Labcorp Genetics (formerly Invitae), Labcorp
Classification: Pathogenic. Last evaluated: 2022-01-26. Review status: criteria provided, single submitter. Criteria: Invitae Variant Classification Sherloc (09022015). Collection method: clinical testing. Allele origin: germline.
Comment: This sequence change results in a frameshift in the TPP1 gene (p.Leu560Glnfs*46). While this is not anticipated to result in nonsense mediated decay, it is expected to disrupt the last 4 amino acid(s) of the TPP1 protein and extend the protein by 41 additional amino acid residues. This variant is not present in population databases (gnomAD no frequency). This variant has not been reported in the literature in individuals affected with TPP1-related conditions. This variant results in an extension of the TPP1 protein. Other variant(s) that result in a similarly extended protein product (c.1678_1679del (p.Leu560Thrfs*47)) have been determined to be pathogenic (PMID: 10330339, 21990111; Invitae). This suggests that these extensions are likely to be disease-causing. For these reasons, this variant has been classified as Pathogenic.

Literature cited by the submitters: PubMed 10330339; PubMed 21990111.

NM_000391.4(TPP1):c.1679_1683del (p.Leu560fs)

Gene: TPP1 (tripeptidyl peptidase 1; minus strand). Cytogenetic location: 11p15.4.
Variant type: Deletion.
Coding change: c.1679_1683del on transcript NM_000391.4 (MANE Select); coding-DNA positions 1679 to 1683, 5 bases deleted (TACTC; older notation c.1679_1683delTACTC).
Protein change: p.Leu560fs; shifts the reading frame from leucine 560.
Molecular consequence: frameshift variant.
Genome position (GRCh38, 1-based): chr11:6,614,555-6,614,559, GAGTA deleted on the plus strand (TACTC on the coding strand, the reverse complement: TPP1 is on the minus strand); deleting any 5 consecutive bases within chr11:6,614,555-6,614,563 gives the same sequence; the c. name uses the placement nearest the transcript's 3' end. VCF-style (leftmost placement, unchanged base first): chr11-6614554-TGAGTA-T. GRCh37 (hg19) VCF-style: chr11-6635785-TGAGTA-T.
Other names: short protein forms L560fs.
Identifiers: ClinVar variation 2088654 (VCV002088654.4), dbSNP rs2493795068, ClinGen allele CA2580083983.